The following is an entry in ClinVar:

NM_001267550.2(TTN):c.70545T>C (p.Tyr23515=)

Genes: TTN (titin; minus strand), TTN-AS1 (TTN antisense RNA 1; plus strand), LOC126806422 (BRD4-independent group 4 enhancer GRCh37_chr2:179440205-179441404; plus strand). Cytogenetic location: 2q31.2.
Variant type: single nucleotide variant.
Coding change: c.70545T>C on transcript NM_001267550.2 (MANE Select); coding-DNA position 70545, T replaced by C.
Protein change: p.Tyr23515=; no amino-acid change (tyrosine 23515 retained).
Molecular consequence: synonymous variant.
Genome position (GRCh38, 1-based): chr2:178,575,587, A>G on the plus strand (T>C on the coding strand, the complement: TTN is on the minus strand). VCF-style: chr2-178575587-A-G. GRCh37 (hg19) VCF-style: chr2-179440314-A-G.
Other names: c.65622T>C, p.Tyr21874= (NM_001256850.1); c.43350T>C, p.Tyr14450= (NM_003319.4); c.62841T>C, p.Tyr20947= (NM_133378.4); c.43725T>C, p.Tyr14575= (NM_133432.3); c.43926T>C, p.Tyr14642= (NM_133437.4).
Identifiers: ClinVar variation 754609 (VCV000754609.11), dbSNP rs1575805406, ClinGen allele CA430258101.

ClinVar aggregate classification (germline): Likely benign. Review status: criteria provided, multiple submitters, no conflicts (2 of 4 stars). 2 submissions from 2 submitters: Likely benign (2). Last evaluated 2026-08-01.

Conditions:
Dilated cardiomyopathy 1G (CMD1G). Identifiers: Orphanet 154, MedGen C1858763, MONDO:0011400, OMIM 604145.
Autosomal recessive limb-girdle muscular dystrophy type 2J (LGMDR10). Also called: MUSCULAR DYSTROPHY, LIMB-GIRDLE, AUTOSOMAL RECESSIVE 10; Limb-girdle muscular dystrophy, type 2J. Identifiers: Orphanet 140922, MedGen C1837342, MONDO:0012127, OMIM 608807.

Allele frequency attached by ClinVar (database versions not stated): gnomAD exomes below 0.00001.
gnomAD v4.1: 5 of 1,613,610 alleles (0.00031%); highest among the groups gnomAD compares: Middle Eastern, 0.017%; no homozygotes.

Submissions (2):

CeGaT Center for Human Genetics Tuebingen
Classification: Likely benign. Last evaluated: 2026-08-01. Review status: criteria provided, single submitter. Criteria: CeGaT Center For Human Genetics Tuebingen Variant Classification Criteria Version 2. Collection method: clinical testing. Allele origin: germline. Affected: yes. Observed: 3 variant alleles.
Comment: TTN: BP4, BP7

Labcorp Genetics (formerly Invitae), Labcorp
Classification: Likely benign for Dilated cardiomyopathy 1G; Autosomal recessive limb-girdle muscular dystrophy type 2J. Last evaluated: 2025-08-05. Review status: criteria provided, single submitter. Criteria: Invitae Variant Classification Sherloc (09022015). Collection method: clinical testing. Allele origin: germline.